The following is an entry in ClinVar:

ClinVar aggregate classification (germline): Uncertain significance. Review status: criteria provided, multiple submitters, no conflicts (2 of 4 stars). 2 submissions from 2 submitters: Uncertain significance (2). Last evaluated 2025-06-23.

Conditions:
Cardiomyopathy (CMYO). Also called: Cardiomyopathies. Identifiers: Orphanet 167848, MedGen C0878544, MONDO:0004994, HP:0001638. Inheritance: Various modes of inheritance.
Catecholaminergic polymorphic ventricular tachycardia (CVPT). Also called: Catecholamine-induced polymorphic ventricular tachycardia. Identifiers: Orphanet 3286, MedGen C5574922, MONDO:0017990.

Allele frequency attached by ClinVar (database versions not stated): TOPMed 0.00001.

Submissions (2):

Color Diagnostics, LLC DBA Color Health
Classification: Uncertain significance for Cardiomyopathy. Last evaluated: 2025-06-23. Review status: criteria provided, single submitter. Criteria: ACMG Guidelines, 2015. Collection method: clinical testing. Allele origin: germline.
Comment: This missense variant replaces valine with alanine at codon 267 of the RYR2 protein. Computational prediction suggests that this variant may not impact protein structure and function. To our knowledge, functional studies have not been reported for this variant. This variant has not been reported in individuals affected with RYR2-related disorders in the literature. This variant has not been identified in the general population by the Genome Aggregation Database (gnomAD). The available evidence is insufficient to determine the role of this variant in disease conclusively. Therefore, this variant is classified as a Variant of Uncertain Significance.

All of Us Research Program, National Institutes of Health
Classification: Uncertain significance for Catecholaminergic polymorphic ventricular tachycardia. Last evaluated: 2023-06-26. Review status: criteria provided, single submitter. Criteria: ACMG Guidelines, 2015. Collection method: clinical testing. Allele origin: germline. Inheritance: Autosomal dominant inheritance. Observed: 1 variant allele, 1 heterozygote.
Comment: This missense variant replaces valine with alanine at codon 267 of the RYR2 protein. Computational prediction suggests that this variant may not impact protein structure and function (internally defined REVEL score threshold <= 0.5, PMID: 27666373). To our knowledge, functional studies have not been reported for this variant. This variant has not been reported in individuals affected with RYR2-related disorders in the literature. This variant has not been identified in the general population by the Genome Aggregation Database (gnomAD). The available evidence is insufficient to determine the role of this variant in disease conclusively. Therefore, this variant is classified as a Variant of Uncertain Significance.

This study involves interpretation of variants in research participants for the purpose of population health screening. Participant phenotype was not available at the time of variant classification. Additional details can be found in publication PMID: 35346344, PMCID: PMC8962531

NM_001035.3(RYR2):c.800T>C (p.Val267Ala)

Gene: RYR2 (ryanodine receptor 2; plus strand). Cytogenetic location: 1q43.
Variant type: single nucleotide variant.
Coding change: c.800T>C on transcript NM_001035.3 (MANE Select); coding-DNA position 800, T replaced by C.
Protein change: p.Val267Ala; replaces valine 267 with alanine.
Molecular consequence: missense variant.
Genome position (GRCh38, 1-based): chr1:237,417,075, T>C. VCF-style: chr1-237417075-T-C. GRCh37 (hg19) VCF-style: chr1-237580375-T-C.
Other names: short protein forms V267A.
Identifiers: ClinVar variation 3071972 (VCV003071972.2), dbSNP rs777976087, ClinGen allele CA345383625.